The following is an entry in ClinVar:

ClinVar aggregate classification (germline): other (0 of 4 stars; one submission).

Conditions:
Familial colorectal cancer. Identifiers: MedGen CN280943, MONDO:0023113. Disease mechanism: loss of function.

Submission:

Systems Biology Platform Zhejiang California International NanoSystems Institute
Classification: other for Familial colorectal cancer. Review status: no assertion criteria provided. Collection method: not provided. Allele origin: unknown.
ClinVar note: Converted during submission from cancer to other.

NM_000038.6(APC):c.835-1818G>T

Gene: APC (APC regulator of WNT signaling pathway; plus strand). Cytogenetic location: 5q22.2.
Variant type: single nucleotide variant.
Coding change: c.835-1818G>T on transcript NM_000038.6 (MANE Select); 1818 bases into the intron before coding-DNA position 835, G replaced by T.
Molecular consequence: intron variant.
Genome position (GRCh38, 1-based): chr5:112,813,677, G>T. VCF-style: chr5-112813677-G-T. GRCh37 (hg19) VCF-style: chr5-112149374-G-T.
Other names: c.835-1818G>T (NM_001354895.2, NM_001127510.3, NM_001354896.2 and 1 more transcripts); c.865-1818G>T (NM_001354897.2, NM_001354902.2); c.781-1818G>T (NM_001127511.3); c.760-1818G>T (NM_001354898.2, NM_001354904.2); c.-15-1818G>T (NM_001354906.2); c.751-1818G>T (NM_001354899.2); c.658-1818G>T (NM_001354900.2, NM_001354901.2, NM_001354905.2).
Identifiers: ClinVar variation 83088 (VCV000083088.2), dbSNP rs77942523, ClinGen allele CA015112.